The following is an entry in ClinVar:

NM_001199799.2(ILDR1):c.866T>G (p.Leu289Trp)

Gene: ILDR1 (immunoglobulin like domain containing receptor 1; minus strand). Cytogenetic location: 3q13.33.
Variant type: single nucleotide variant.
Coding change: c.866T>G on transcript NM_001199799.2 (MANE Select); coding-DNA position 866, T replaced by G.
Protein change: p.Leu289Trp; replaces leucine 289 with tryptophan.
Molecular consequence: missense variant.
Genome position (GRCh38, 1-based): chr3:121,993,883, A>C on the plus strand (T>G on the coding strand, the complement: ILDR1 is on the minus strand). VCF-style: chr3-121993883-A-C. GRCh37 (hg19) VCF-style: chr3-121712730-A-C.
Other names: c.599T>G, p.Leu200Trp (NM_001199800.2); c.734T>G, p.Leu245Trp (NM_175924.4); short protein forms L200W, L245W, L289W.
Identifiers: ClinVar variation 872597 (VCV000872597.57), dbSNP rs141450561, ClinGen allele CA2568803.

ClinVar aggregate classification (germline): Conflicting classifications of pathogenicity. Review status: criteria provided, conflicting classifications (1 of 4 stars). 7 submissions from 7 submitters: Pathogenic (1); Uncertain significance (6). Last evaluated 2026-08-11.

Conditions:
Autosomal recessive nonsyndromic hearing loss 42. Identifiers: Orphanet 90636, MedGen C1864818, MONDO:0012326, OMIM 609646.
ILDR1-related disorder. Also called: ILDR1-related condition.

Allele frequency attached by ClinVar (database versions not stated): 1000 Genomes Project 30x 0.00016; 1000 Genomes Project 0.00020; gnomAD 0.00023; gnomAD exomes 0.00023 and 0.00031; ExAC 0.00025; TOPMed 0.00025.
gnomAD v4.1: 381 of 1,614,032 alleles (0.024%); highest among the groups gnomAD compares: Admixed American, 0.07%; 2 homozygotes.

Submissions (7):

GeneDx
Classification: Uncertain significance. Last evaluated: 2026-08-11. Review status: criteria provided, single submitter. Criteria: GeneDx Variant Classification Process June 2021. Collection method: clinical testing. Allele origin: germline.
Comment: In silico analysis supports that this missense variant has a deleterious effect on protein structure/function; This variant is associated with the following publications: (PMID: 34426522, 40069133, 26969326)

PreventionGenetics, part of Exact Sciences
Classification: Uncertain significance for ILDR1-related condition. Last evaluated: 2026-03-26. Review status: criteria provided, single submitter. Criteria: ACMG Guidelines, 2015. Collection method: clinical testing. Allele origin: germline.
Comment: The ILDR1 c.866T>G variant is predicted to result in the amino acid substitution p.Leu289Trp. This variant was reported in the homozygous state in an individual with hearing loss (Table S3, Sloan-Heggen et al. 2016. PubMed ID: 26969326). This variant is reported in 0.068% of alleles in individuals of Latino descent in gnomAD, including two homozygotes in the larger gnomAD v4.1.0 database. At this time, the clinical significance of this variant is uncertain due to the absence of conclusive functional and genetic evidence.

Blueprint Genetics
Classification: Uncertain significance. Last evaluated: 2024-11-06. Review status: criteria provided, single submitter. Criteria: ACMG Guidelines, 2015. Collection method: clinical testing. Allele origin: germline.

Department of Pathology and Laboratory Medicine, Sinai Health System
Classification: Uncertain significance for Autosomal recessive nonsyndromic hearing loss 42. Last evaluated: 2023-01-18. Review status: criteria provided, single submitter. Criteria: ACMG Guidelines, 2015. Collection method: research. Allele origin: germline.

Labcorp Genetics (formerly Invitae), Labcorp
Classification: Uncertain significance. Last evaluated: 2022-07-05. Review status: criteria provided, single submitter. Criteria: Invitae Variant Classification Sherloc (09022015). Collection method: clinical testing. Allele origin: germline.
Comment: This sequence change replaces leucine, which is neutral and non-polar, with tryptophan, which is neutral and slightly polar, at codon 289 of the ILDR1 protein (p.Leu289Trp). This variant is present in population databases (rs141450561, gnomAD 0.07%), including at least one homozygous and/or hemizygous individual. This missense change has been observed in individual(s) with deafness (PMID: 26969326). ClinVar contains an entry for this variant (Variation ID: 872597). Algorithms developed to predict the effect of missense changes on protein structure and function (SIFT, PolyPhen-2, Align-GVGD) all suggest that this variant is likely to be disruptive. In summary, the available evidence is currently insufficient to determine the role of this variant in disease. Therefore, it has been classified as a Variant of Uncertain Significance.

Dubai Health Genomic Medicine Center, Dubai Health
Classification: Uncertain significance for Autosomal recessive nonsyndromic hearing loss 42. Last evaluated: 2020-03-19. Review status: criteria provided, single submitter. Criteria: ACMG Guidelines, 2015. Collection method: clinical testing. Allele origin: germline. Affected: yes.

CeGaT Center for Human Genetics Tuebingen
Classification: Pathogenic. Last evaluated: 2017-03-01. Review status: criteria provided, single submitter. Criteria: CeGaT Center For Human Genetics Tuebingen Variant Classification Criteria Version 2. Collection method: clinical testing. Allele origin: germline. Affected: yes. Observed: 1 variant allele.

Literature cited by the submitters: PubMed 26969326 (cited by Labcorp Genetics (formerly Invitae), Labcorp).